The following is an entry in ClinVar:

ClinVar aggregate classification (germline): Uncertain significance (1 of 4 stars; one submission).

Conditions:
EPHB4-related disorder. Also called: EPHB4-related condition; EPHB4-related disorders.

Allele frequency attached by ClinVar (database versions not stated): gnomAD 0.00001; gnomAD exomes 0.00001; ExAC 0.00002; 1000 Genomes Project 30x 0.00016; 1000 Genomes Project 0.00020.
gnomAD v4.1: 19 of 1,550,002 alleles (0.0012%); highest among the groups gnomAD compares: South Asian, 0.0086%; no homozygotes.

Submission:

PreventionGenetics, part of Exact Sciences
Classification: Uncertain significance for EPHB4-related condition. Last evaluated: 2022-10-05. Review status: criteria provided, single submitter. Criteria: ACMG Guidelines, 2015. Collection method: clinical testing. Allele origin: germline.
Comment: The EPHB4 c.2597G>A variant is predicted to result in the amino acid substitution p.Arg866His. To our knowledge, this variant has not been reported in the literature. This variant is reported in 0.0096% of alleles in individuals of South Asian descent in gnomAD. At this time, the clinical significance of this variant is uncertain due to the absence of conclusive functional and genetic evidence.

NM_004444.5(EPHB4):c.2597G>A (p.Arg866His)

Genes: EPHB4 (EPH receptor B4; minus strand), LOC126860124 (CDK7 strongly-dependent group 2 enhancer GRCh37_chr7:100403701-100404900; plus strand). Cytogenetic location: 7q22.1.
Variant type: single nucleotide variant.
Coding change: c.2597G>A on transcript NM_004444.5 (MANE Select); coding-DNA position 2597, G replaced by A.
Protein change: p.Arg866His; replaces arginine 866 with histidine.
Molecular consequence: missense variant.
Genome position (GRCh38, 1-based): chr7:100,805,582, C>T on the plus strand (G>A on the coding strand, the complement: EPHB4 is on the minus strand). VCF-style: chr7-100805582-C-T. GRCh37 (hg19) VCF-style: chr7-100403204-C-T.
Other names: short protein forms R866H.
Identifiers: ClinVar variation 2629283 (VCV002629283.1), dbSNP rs549742543, ClinGen allele CA4392606.